The following is an entry in ClinVar:

NM_031935.3(HMCN1):c.13707A>C (p.Gln4569His)

Gene: HMCN1 (hemicentin 1; plus strand). Cytogenetic location: 1q31.1.
Variant type: single nucleotide variant.
Coding change: c.13707A>C on transcript NM_031935.3 (MANE Select); coding-DNA position 13707, A replaced by C.
Protein change: p.Gln4569His; replaces glutamine 4569 with histidine.
Molecular consequence: missense variant.
Genome position (GRCh38, 1-based): chr1:186,137,622, A>C. VCF-style: chr1-186137622-A-C. GRCh37 (hg19) VCF-style: chr1-186106754-A-C.
Other names: short protein forms Q4569H.
Identifiers: ClinVar variation 2116832 (VCV002116832.4), dbSNP rs2528097223, ClinGen allele CA343911799.

ClinVar aggregate classification (germline): Uncertain significance (1 of 4 stars; one submission).

Submission:

Labcorp Genetics (formerly Invitae), Labcorp
Classification: Uncertain significance. Last evaluated: 2022-03-25. Review status: criteria provided, single submitter. Criteria: Invitae Variant Classification Sherloc (09022015). Collection method: clinical testing. Allele origin: germline.
Comment: This variant has not been reported in the literature in individuals affected with HMCN1-related conditions. In summary, the available evidence is currently insufficient to determine the role of this variant in disease. Therefore, it has been classified as a Variant of Uncertain Significance. Algorithms developed to predict the effect of missense changes on protein structure and function output the following: SIFT: "Deleterious"; PolyPhen-2: "Possibly Damaging"; Align-GVGD: "Class C0". The histidine amino acid residue is found in multiple mammalian species, which suggests that this missense change does not adversely affect protein function. This variant is not present in population databases (gnomAD no frequency). This sequence change replaces glutamine, which is neutral and polar, with histidine, which is basic and polar, at codon 4569 of the HMCN1 protein (p.Gln4569His).